The following is an entry in ClinVar:

ClinVar aggregate classification (germline): Uncertain significance (1 of 4 stars; one submission).

gnomAD v4.1: 1 of 1,580,826 alleles (0.000063%); highest among the groups gnomAD compares: Non-Finnish European, 0.000087%; no homozygotes.

Submission:

Dasa
Classification: Uncertain significance. Last evaluated: 2025-08-12. Review status: criteria provided, single submitter. Criteria: DASA Assertion Criteria. Collection method: clinical testing. Allele origin: germline.
Comment: NM_022168.4(IFIH1):c.1095+3A>G is a splice-region variant. This variant is rare in population databases. Computational prediction algorithms are consistent with a deleterious effect. The currently available literature and clinical evidence are not sufficient to establish a definitive association between this variant and the reported condition. Therefore, this variant is classified as a variant of uncertain significance.

NM_022168.4(IFIH1):c.1095+3A>G

Gene: IFIH1 (interferon induced with helicase C domain 1; minus strand). Cytogenetic location: 2q24.2.
Variant type: single nucleotide variant.
Coding change: c.1095+3A>G on transcript NM_022168.4 (MANE Select); 3 bases into the intron after coding-DNA position 1095, A replaced by G.
Molecular consequence: intron variant.
Genome position (GRCh38, 1-based): chr2:162,288,132, T>C on the plus strand (A>G on the coding strand, the complement: IFIH1 is on the minus strand). VCF-style: chr2-162288132-T-C. GRCh37 (hg19) VCF-style: chr2-163144642-T-C.
Identifiers: ClinVar variation 4881844 (VCV004881844.2).
Genomic context (GRCh38, chr2:162,288,132, plus strand): 5'-ATATAAAAGTTTCAGAATAATACAATGAAAATGATCAACTAGTGTTATGTGTTCTTTGAA[T>C]ACCTTATTGACAAGAACTATAACTTTTCCAGGCTCAGATGCTTTTTTCTTCTTGTCTAAG-3'